The following is an entry in ClinVar:

NM_007215.4(POLG2):c.131T>C (p.Val44Ala)

Genes: MILR1 (mast cell immunoglobulin like receptor 1; plus strand), POLG2 (DNA polymerase gamma 2, accessory subunit; minus strand). Cytogenetic location: 17q23.3.
Variant type: single nucleotide variant.
Coding change: c.131T>C on transcript NM_007215.4 (MANE Select); coding-DNA position 131, T replaced by C.
Protein change: p.Val44Ala; replaces valine 44 with alanine.
Molecular consequence: missense variant.
Genome position (GRCh38, 1-based): chr17:64,496,838, A>G on the plus strand (T>C on the coding strand, the complement: POLG2 is on the minus strand). VCF-style: chr17-64496838-A-G. GRCh37 (hg19) VCF-style: chr17-62492956-A-G.
Other names: short protein forms V44A.
Identifiers: ClinVar variation 3002994 (VCV003002994.3), dbSNP rs1219134089, ClinGen allele CA400641585.

ClinVar aggregate classification (germline): Uncertain significance (1 of 4 stars; one submission).

Allele frequency attached by ClinVar (database versions not stated): gnomAD exomes below 0.00001.
gnomAD v4.1: 2 of 1,613,742 alleles (0.00012%); highest among the groups gnomAD compares: Non-Finnish European, 0.000085%; no homozygotes.

Submission:

Labcorp Genetics (formerly Invitae), Labcorp
Classification: Uncertain significance. Last evaluated: 2023-04-10. Review status: criteria provided, single submitter. Criteria: Invitae Variant Classification Sherloc (09022015). Collection method: clinical testing. Allele origin: germline.
Comment: This variant is not present in population databases (gnomAD no frequency). This sequence change replaces valine, which is neutral and non-polar, with alanine, which is neutral and non-polar, at codon 44 of the POLG2 protein (p.Val44Ala). This variant has not been reported in the literature in individuals affected with POLG2-related conditions. In summary, the available evidence is currently insufficient to determine the role of this variant in disease. Therefore, it has been classified as a Variant of Uncertain Significance. An algorithm developed to predict the effect of missense changes on protein structure and function (PolyPhen-2) suggests that this variant is likely to be tolerated.